The following is an entry in ClinVar:

NM_001358351.3(SEMA6D):c.615A>T (p.Gly205=)

Gene: SEMA6D (semaphorin 6D; plus strand). Cytogenetic location: 15q21.1.
Variant type: single nucleotide variant.
Coding change: c.615A>T on transcript NM_001358351.3 (MANE Select); coding-DNA position 615, A replaced by T.
Protein change: p.Gly205=; no amino-acid change (glycine 205 retained).
Molecular consequence: synonymous variant.
Genome position (GRCh38, 1-based): chr15:47,762,276, A>T. VCF-style: chr15-47762276-A-T. GRCh37 (hg19) VCF-style: chr15-48054473-A-T.
Other names: c.615A>T, p.Gly205= (NM_001198999.2, NM_001358352.2, NM_020858.2 and 5 more transcripts).
Identifiers: ClinVar variation 3041564 (VCV003041564.2), dbSNP rs148533867, ClinGen allele CA7545066.

ClinVar aggregate classification (germline): Likely benign (0 of 4 stars; one submission).

Conditions:
SEMA6D-related disorder. Also called: SEMA6D-related condition.

Allele frequency attached by ClinVar (database versions not stated): gnomAD exomes 0.00007; ExAC 0.00021; 1000 Genomes Project 30x 0.00047; 1000 Genomes Project 0.00060; gnomAD 0.00074; TOPMed 0.00075; ESP Exome Variant Server 0.00085.
gnomAD v4.1: 223 of 1,613,696 alleles (0.014%); highest among the groups gnomAD compares: African/African-American, 0.24%; no homozygotes.

Submission:

PreventionGenetics, part of Exact Sciences
Classification: Likely benign for SEMA6D-related condition. Last evaluated: 2019-03-22. Review status: no assertion criteria provided. Collection method: clinical testing. Allele origin: germline.
Comment: This variant is classified as likely benign based on ACMG/AMP sequence variant interpretation guidelines (Richards et al. 2015 PMID: 25741868, with internal and published modifications).